The following is an entry in ClinVar:

NM_000492.4(CFTR):c.3407C>A (p.Ala1136Asp)

Genes: CFTR (CF transmembrane conductance regulator; plus strand), CFTR-AS2 (CFTR antisense RNA 2; minus strand). Cytogenetic location: 7q31.2.
Variant type: single nucleotide variant.
Coding change: c.3407C>A on transcript NM_000492.4 (MANE Select); coding-DNA position 3407, C replaced by A.
Protein change: p.Ala1136Asp; replaces alanine 1136 with aspartic acid.
Molecular consequence: missense variant.
Genome position (GRCh38, 1-based): chr7:117,614,652, C>A. VCF-style: chr7-117614652-C-A. GRCh37 (hg19) VCF-style: chr7-117254706-C-A.
Other names: short protein forms A1136D.
Identifiers: ClinVar variation 4847271 (VCV004847271.1).
Genomic context (GRCh38, chr7:117,614,652, plus strand): 5'-ACGTCTTTTGTGCATCTATAGGAGAAGGAGAAGGAAGAGTTGGTATTATCCTGACTTTAG[C>A]CATGAATATCATGAGTACATTGCAGTGGGCTGTAAACTCCAGCATAGATGTGGATAGCTT-3'
Protein context (NP_000483.3, residues 1126-1146): EGRVGIILTL[Ala1136Asp]MNIMSTLQWA

ClinVar aggregate classification (germline): Uncertain significance (1 of 4 stars; one submission).

Submission:

Women's Health and Genetics/Laboratory Corporation of America, LabCorp
Classification: Uncertain significance. Last evaluated: 2026-03-12. Review status: criteria provided, single submitter. Criteria: LabCorp Variant Classification Summary - May 2015. Collection method: clinical testing. Allele origin: germline.
Comment: Variant summary: CFTR c.3407C>A (p.Ala1136Asp) results in a non-conservative amino acid change in the encoded protein sequence. Algorithms developed to predict the effect of missense changes on protein structure and function all suggest that this variant is likely to be disruptive. The variant was absent in 251152 control chromosomes. c.3407C>A has been observed in at least one compound heterozygous individual affected with Cystic Fibrosis (e.g. Erdogan_2021). These data do not allow any conclusion about variant significance. A different variant affecting the same codon has been classified as likely pathogenic/pathogenic by our lab (c.3406G>A, p.Ala1136Thr), supporting the critical relevance of codon 1136 to CFTR protein function. To our knowledge, no experimental evidence demonstrating an impact on protein function has been reported. No submitters have cited clinical-significance assessments for this variant to ClinVar. Based on the evidence outlined above, the variant was classified as VUS-possibly pathogenic.

Literature cited by the submitters: PubMed 34860163.